The following is an entry in ClinVar:

NM_000179.3(MSH6):c.2619G>A (p.Gly873=)

Gene: MSH6 (mutS homolog 6; plus strand). Cytogenetic location: 2p16.3.
Variant type: single nucleotide variant.
Coding change: c.2619G>A on transcript NM_000179.3 (MANE Select); coding-DNA position 2619, G replaced by A.
Protein change: p.Gly873=; no amino-acid change (glycine 873 retained).
Molecular consequence: synonymous variant.
Genome position (GRCh38, 1-based): chr2:47,800,602, G>A. VCF-style: chr2-47800602-G-A. GRCh37 (hg19) VCF-style: chr2-48027741-G-A.
Other names: c.2229G>A, p.Gly743= (NM_001281492.2); c.1713G>A, p.Gly571= (NM_001281493.2, NM_001281494.2).
Identifiers: ClinVar variation 479944 (VCV000479944.18), dbSNP rs1315876988, ClinGen allele CA426121880.
Genomic context (GRCh38, chr2:47,800,602, plus strand): 5'-GAAGATTATTGATTTTCTTTCTGCTCTGGAAGGATTCAAAGTAATGTGTAAAATTATAGG[G>A]ATCATGGAAGAAGTTGCTGATGGTTTTAAGTCTAAAATCCTTAAGCAGGTCATCTCTCTG-3'
Protein context (NP_000170.1, residues 863-883): EGFKVMCKII[Gly873=]IMEEVADGFK

ClinVar aggregate classification (germline): Benign/Likely benign. Review status: criteria provided, multiple submitters, no conflicts (2 of 4 stars). 5 submissions from 5 submitters: Benign (1); Likely benign (4). Last evaluated 2024-12-31.

Conditions:
Hereditary nonpolyposis colorectal neoplasms. Identifiers: MedGen C0009405, MeSH D003123.
Lynch syndrome. Identifiers: Orphanet 144, MedGen C4552100, MONDO:0005835. Disease mechanism: loss of function.
Lynch syndrome 5 (LYNCH5). Also called: Colorectal cancer, hereditary nonpolyposis, type 5; Hereditary non-polyposis colorectal cancer, type 5. Identifiers: Orphanet 144, MedGen C1833477, MONDO:0013710, OMIM 614350. Disease mechanism: loss of function.
Hereditary cancer-predisposing syndrome. Also called: Hereditary Cancer Syndrome; Neoplastic Syndromes, Hereditary; Tumor predisposition; Hereditary neoplastic syndrome. Identifiers: Orphanet 140162, MedGen C0027672, MeSH D009386, MONDO:0015356.

Allele frequency attached by ClinVar (database versions not stated): TOPMed below 0.00001.
gnomAD v4.1: 1 of 1,614,114 alleles (0.000062%); highest among the groups gnomAD compares: Middle Eastern, 0.016%; no homozygotes.

Submissions (5):

Myriad Genetics, Inc.
Classification: Benign for Lynch syndrome 5. Last evaluated: 2024-12-31. Review status: criteria provided, single submitter. Criteria: Myriad Autosomal Dominant, Autosomal Recessive and X-Linked Classification Criteria (2023). Collection method: clinical testing. Allele origin: unknown.
Comment: This variant is considered benign. This variant is a silent/synonymous amino acid change and it is not expected to impact splicing.

Labcorp Genetics (formerly Invitae), Labcorp
Classification: Likely benign for Hereditary nonpolyposis colorectal neoplasms. Last evaluated: 2024-10-28. Review status: criteria provided, single submitter. Criteria: Invitae Variant Classification Sherloc (09022015). Collection method: clinical testing. Allele origin: germline.

All of Us Research Program, National Institutes of Health
Classification: Likely benign for Lynch syndrome. Last evaluated: 2023-08-23. Review status: criteria provided, single submitter. Criteria: ACMG Guidelines, 2015. Collection method: clinical testing. Allele origin: germline. Inheritance: Autosomal dominant inheritance. Observed: 1 variant allele, 1 heterozygote.
Comment: This study involves interpretation of variants in research participants for the purpose of population health screening. Participant phenotype was not available at the time of variant classification. Additional details can be found in publication PMID: 35346344, PMCID: PMC8962531

Color Diagnostics, LLC DBA Color Health
Classification: Likely benign for Hereditary cancer-predisposing syndrome. Last evaluated: 2018-12-04. Review status: criteria provided, single submitter. Criteria: ACMG Guidelines, 2015. Collection method: clinical testing. Allele origin: germline.

Ambry Genetics
Classification: Likely benign for Hereditary cancer-predisposing syndrome. Last evaluated: 2016-12-07. Review status: criteria provided, single submitter. Criteria: Ambry Variant Classification Scheme 2023. Collection method: clinical testing. Allele origin: germline.